The following is an entry in ClinVar:

ClinVar aggregate classification (germline): Pathogenic/Likely pathogenic. Review status: criteria provided, multiple submitters, no conflicts (2 of 4 stars). 4 submissions from 4 submitters: Pathogenic (2); Likely pathogenic (1). 1 of the submissions does not count toward it. Last evaluated 2023-08-29.

Conditions:
Marfan syndrome (MFS). Also called: Marfan syndrome type 1; Marfan's syndrome; FBN1-Related Marfan Syndrome; MARFAN SYNDROME, TYPE I; Marfan syndrome, classic. Identifiers: Orphanet 284963, Orphanet 558, MedGen C0024796, MONDO:0007947, OMIM 154700.
Familial thoracic aortic aneurysm and aortic dissection (TAAD). Also called: Thoracic aortic aneurysms and dissections. Identifiers: Orphanet 91387, MedGen C4707243, MONDO:0019625.

Submissions (4):

GeneDx
Classification: Likely pathogenic. Last evaluated: 2023-08-29. Review status: criteria provided, single submitter. Criteria: GeneDx Variant Classification Process June 2021. Collection method: clinical testing. Allele origin: germline. Affected: yes.
Comment: Identified in a patient with ectopia lentis in published literature (Chen et al., 2021); the variant was also present in this individual's father who also had a history of ectopia lentis; Not observed at significant frequency in large population cohorts (gnomAD); Affects a cysteine residue within a calcium-binding EGF-like domain of the FBN1 gene, which may affect disulfide bonding and is predicted to alter the structure and function of the protein; cysteine substitutions in the calcium-binding EGF-like domains represent the majority of pathogenic missense changes associated with FBN1-related disorders (Collod-Beroud et al., 2003); In silico analysis supports that this missense variant has a deleterious effect on protein structure/function; This variant is associated with the following publications: (PMID: 12938084, 34281902, 35612688, 35058154, CaseReport-Gusina2020)

Labcorp Genetics (formerly Invitae), Labcorp
Classification: Pathogenic for Marfan syndrome; Familial thoracic aortic aneurysm and aortic dissection. Last evaluated: 2022-05-16. Review status: criteria provided, single submitter. Criteria: Invitae Variant Classification Sherloc (09022015). Collection method: clinical testing. Allele origin: germline.
Comment: For these reasons, this variant has been classified as Pathogenic. This variant disrupts the p.Cys628 amino acid residue in FBN1. Other variant(s) that disrupt this residue have been observed in individuals with FBN1-related conditions (PMID: 12402346; Invitae), which suggests that this may be a clinically significant amino acid residue. This variant affects a cysteine residue in the EGF-like, TGFBP or hybrid motif domains of FBN1. Cysteine residues are believed to be involved in intramolecular disulfide bridges and have been shown to be important for FBN1 protein structure (PMID: 16905551, 19349279). In addition, missense substitutions affecting cysteine residues within these domains are significantly overrepresented among patients with Marfan syndrome (PMID: 16571647, 17701892). Advanced modeling of protein sequence and biophysical properties (such as structural, functional, and spatial information, amino acid conservation, physicochemical variation, residue mobility, and thermodynamic stability) performed at Invitae indicates that this missense variant is expected to disrupt FBN1 protein function. This missense change has been observed in individual(s) with Marfan syndrome (Invitae). This variant is not present in population databases (gnomAD no frequency). This sequence change replaces cysteine, which is neutral and slightly polar, with tryptophan, which is neutral and slightly polar, at codon 628 of the FBN1 protein (p.Cys628Trp).

Centre of Medical Genetics, University of Antwerp
Classification: Pathogenic for Marfan syndrome. Last evaluated: 2021-03-01. Review status: criteria provided, single submitter. Criteria: Submitter's publication. Collection method: research. Allele origin: unknown. Affected: yes.
Comment: PM2, PVS2, PP4

Department of Laboratory Medicine and Genetics, Samsung Medical Center
Classification: Pathogenic for Marfan syndrome. Last evaluated: 2025-01-02. Review status: no assertion criteria provided. Collection method: clinical testing. Allele origin: germline. Affected: yes. Not counted in ClinVar's aggregate classification.
Comment: The NM_000138.5:c.1884C>G is considered to be rare in the general population database (gnomAD v2.1.1). This variant is located in functional domains. This variant was found in a patient with ectopia lentis or Marfan syndrome (PMID: 34281902; 35058154; 35612688). According to the ClinGen guidance for PP1/BS4 and PP4 criteria (PMID: 38103548), PP4 with weighted strength was applied. In summary, this variant was classified as a pathogenic variant for Marfan syndrome (PM1_S, PS4_M, PP2, PP4 with weighted strength, PM2_P).

Literature cited by the submitters: PubMed 12402346 (cited by Labcorp Genetics (formerly Invitae), Labcorp); PubMed 16905551 (cited by Labcorp Genetics (formerly Invitae), Labcorp); PubMed 19349279 (cited by Labcorp Genetics (formerly Invitae), Labcorp); PubMed 16571647 (cited by Labcorp Genetics (formerly Invitae), Labcorp); PubMed 17701892 (cited by Labcorp Genetics (formerly Invitae), Labcorp); PubMed 34281902 (cited by Department of Laboratory Medicine and Genetics, Samsung Medical Center); PubMed 35058154 (cited by Department of Laboratory Medicine and Genetics, Samsung Medical Center); PubMed 35612688 (cited by Department of Laboratory Medicine and Genetics, Samsung Medical Center); PubMed 37558401 (cited by Department of Laboratory Medicine and Genetics, Samsung Medical Center).

NM_000138.5(FBN1):c.1884C>G (p.Cys628Trp)

Gene: FBN1 (fibrillin 1; minus strand). Cytogenetic location: 15q21.1.
Variant type: single nucleotide variant.
Coding change: c.1884C>G on transcript NM_000138.5 (MANE Select); coding-DNA position 1884, C replaced by G.
Protein change: p.Cys628Trp; replaces cysteine 628 with tryptophan.
Molecular consequence: missense variant.
Genome position (GRCh38, 1-based): chr15:48,505,101, G>C on the plus strand (C>G on the coding strand, the complement: FBN1 is on the minus strand). VCF-style: chr15-48505101-G-C. GRCh37 (hg19) VCF-style: chr15-48797298-G-C.
Other names: c.1884C>G, p.Cys628Trp (NM_001406716.1); short protein forms C628W.
Identifiers: ClinVar variation 1325477 (VCV001325477.8), dbSNP rs150421653, ClinGen allele CA392339111.
Genomic context (GRCh38, chr15:48,505,101, plus strand): 5'-ATCCAGACCCACAGCCAGTCCAGGGAAGCATTCACATCTGTAGGAGCCATCAGTGTTGAC[G>C]CAACGCCCATTCATGCAGATCCCAGGGGTTTCACACTCGTTAATGTCTGTGGCAGAGAAA-3'
Protein context (NP_000129.3, residues 618-638): ETPGICMNGR[Cys628Trp]VNTDGSYRCE